The following is an entry in ClinVar:

NM_138694.4(PKHD1):c.5230A>G (p.Asn1744Asp)

Genes: PKHD1 (PKHD1 ciliary IPT domain containing fibrocystin/polyductin; minus strand), LOC126859690 (MED14-independent group 3 enhancer GRCh37_chr6:51888848-51890047; plus strand). Cytogenetic location: 6p12.2.
Variant type: single nucleotide variant.
Coding change: c.5230A>G on transcript NM_138694.4 (MANE Select); coding-DNA position 5230, A replaced by G.
Protein change: p.Asn1744Asp; replaces asparagine 1744 with aspartic acid.
Molecular consequence: missense variant.
Genome position (GRCh38, 1-based): chr6:52,024,580, T>C on the plus strand (A>G on the coding strand, the complement: PKHD1 is on the minus strand). VCF-style: chr6-52024580-T-C. GRCh37 (hg19) VCF-style: chr6-51889378-T-C.
Other names: c.5230A>G, p.Asn1744Asp (NM_170724.3); short protein forms N1744D.
Identifiers: ClinVar variation 4687396 (VCV004687396.1).

ClinVar aggregate classification (germline): Uncertain significance (1 of 4 stars; one submission).

Submission:

Women's Health and Genetics/Laboratory Corporation of America, LabCorp
Classification: Uncertain significance. Last evaluated: 2025-10-30. Review status: criteria provided, single submitter. Criteria: LabCorp Variant Classification Summary - May 2015. Collection method: clinical testing. Allele origin: germline.
Comment: Variant summary: PKHD1 c.5230A>G (p.Asn1744Asp) results in a conservative amino acid change in the encoded protein sequence. Algorithms developed to predict the effect of missense changes on protein structure and function all suggest that this variant is likely to be tolerated. The variant was absent in 250674 control chromosomes. The available data on variant occurrences in the general population are insufficient to allow any conclusion about variant significance. To our knowledge, no occurrence of c.5230A>G in individuals affected with PKHD1-related conditions and no experimental evidence demonstrating its impact on protein function have been reported. No submitters have cited clinical-significance assessments for this variant to ClinVar. Based on the evidence outlined above, the variant was classified as uncertain significance.